The following is an entry in ClinVar:

ClinVar aggregate classification (germline): Conflicting classifications of pathogenicity. Review status: criteria provided, conflicting classifications (1 of 4 stars). 10 submissions from 10 submitters: Uncertain significance (3); Benign (4); Likely benign (1). 2 of the submissions do not count toward it. Last evaluated 2026-02-04.

Conditions:
Finnish congenital nephrotic syndrome (NPHS1). Also called: NEPHROTIC SYNDROME, TYPE 1. Identifiers: Orphanet 839, MedGen C0403399, MONDO:0009732, OMIM 256300.
Congenital nephrotic syndrome. Also called: Familial nephrotic syndrome. Identifiers: MedGen C3501848, MeSH C535761, MONDO:0002350, HP:0008677.

Allele frequency attached by ClinVar (database versions not stated): gnomAD 0.00044 and 0.00072; TOPMed 0.00085; 1000 Genomes Project 30x 0.00219; 1000 Genomes Project 0.00280.
gnomAD v4.1: 1,046 of 1,614,168 alleles (0.065%); highest among the groups gnomAD compares: East Asian, 1.8%; 13 homozygotes.

Submissions (10):

Labcorp Genetics (formerly Invitae), Labcorp
Classification: Benign. Last evaluated: 2026-02-04. Review status: criteria provided, single submitter. Criteria: Invitae Variant Classification Sherloc (09022015). Collection method: clinical testing. Allele origin: germline.

CeGaT Center for Human Genetics Tuebingen
Classification: Benign. Last evaluated: 2025-03-01. Review status: criteria provided, single submitter. Criteria: CeGaT Center For Human Genetics Tuebingen Variant Classification Criteria Version 2. Collection method: clinical testing. Allele origin: germline. Affected: yes. Observed: 3 variant alleles.
Comment: NPHS1: PM5, BP4, BS1, BS2

Blueprint Genetics
Classification: Likely benign. Last evaluated: 2024-08-26. Review status: criteria provided, single submitter. Criteria: ACMG Guidelines, 2015. Collection method: clinical testing. Allele origin: germline.

Pars Genome Lab
Classification: Uncertain significance for Finnish congenital nephrotic syndrome. Last evaluated: 2021-05-18. Review status: criteria provided, single submitter. Criteria: ACMG Guidelines, 2015. Collection method: clinical testing. Allele origin: germline. Affected: no.

Illumina Laboratory Services, Illumina
Classification: Uncertain significance for Congenital nephrotic syndrome. Last evaluated: 2017-04-28. Review status: criteria provided, single submitter. Criteria: ICSL Variant Classification Criteria 13 December 2019. Collection method: clinical testing. Allele origin: germline.
Comment: This variant was observed as part of a predisposition screen in an ostensibly healthy population. A literature search was performed for the gene, cDNA change, and amino acid change (where applicable). Publications were found based on this search. However, the evidence from the literature, in combination with allele frequency data from public databases where available, was not sufficient to rule this variant in or out of causing disease. Therefore, this variant is classified as a variant of unknown significance.

Eurofins Ntd Llc (ga)
Classification: Benign. Last evaluated: 2016-04-14. Review status: criteria provided, single submitter. Criteria: EGL Classification Definitions 2015. Collection method: clinical testing. Allele origin: germline. Observed: 1 variant allele, 1 heterozygote.

Soonchunhyang University Bucheon Hospital, Soonchunhyang University Medical Center
Classification: Uncertain significance for Finnish congenital nephrotic syndrome. Last evaluated: 2016-03-18. Review status: criteria provided, single submitter. Criteria: ACMG Guidelines, 2015. Collection method: reference population. Allele origin: germline. Observed: 1 variant allele.

PreventionGenetics, part of Exact Sciences
Classification: Benign. Review status: criteria provided, single submitter. Criteria: ACMG Guidelines, 2015. Collection method: clinical testing. Allele origin: germline.

Natera, Inc.
Classification: Benign for Finnish congenital nephrotic syndrome. Last evaluated: 2020-10-05. Review status: no assertion criteria provided. Collection method: clinical testing. Allele origin: germline. Not counted in ClinVar's aggregate classification.

Counsyl
Classification: Likely benign for Finnish congenital nephrotic syndrome. Last evaluated: 2017-12-15. Review status: no assertion criteria provided. Collection method: clinical testing. Allele origin: unknown. Not counted in ClinVar's aggregate classification.

Literature cited by the submitters: PubMed 16316524 (cited by 3 submitters); PubMed 22995991 (cited by Illumina Laboratory Services, Illumina and Counsyl).

NM_004646.4(NPHS1):c.2869G>C (p.Val957Leu)

Gene: NPHS1 (NPHS1 adhesion molecule, nephrin; minus strand). Cytogenetic location: 19q13.12.
Variant type: single nucleotide variant.
Coding change: c.2869G>C on transcript NM_004646.4 (MANE Select); coding-DNA position 2869, G replaced by C.
Protein change: p.Val957Leu; replaces valine 957 with leucine.
Molecular consequence: missense variant.
Genome position (GRCh38, 1-based): chr19:35,839,554, C>G on the plus strand (G>C on the coding strand, the complement: NPHS1 is on the minus strand). VCF-style: chr19-35839554-C-G. GRCh37 (hg19) VCF-style: chr19-36330456-C-G.
Other names: short protein forms V957L.
Identifiers: ClinVar variation 225423 (VCV000225423.49), dbSNP rs114849139, ClinGen allele CA9389997.